The following is an entry in ClinVar:

ClinVar aggregate classification (germline): Likely benign (0 of 4 stars; one submission).

Conditions:
COL6A2-related disorder.

Submission:

PreventionGenetics, part of Exact Sciences
Classification: Likely benign for COL6A2-related condition. Last evaluated: 2024-04-18. Review status: no assertion criteria provided. Collection method: clinical testing. Allele origin: germline.
Comment: This variant is classified as likely benign based on ACMG/AMP sequence variant interpretation guidelines (Richards et al. 2015 PMID: 25741868, with internal and published modifications).

NM_001849.4(COL6A2):c.1522-18C>G

Gene: COL6A2 (collagen type VI alpha 2 chain; plus strand). Cytogenetic location: 21q22.3.
Variant type: single nucleotide variant.
Coding change: c.1522-18C>G on transcript NM_001849.4 (MANE Select); 18 bases into the intron before coding-DNA position 1522, C replaced by G.
Molecular consequence: intron variant.
Genome position (GRCh38, 1-based): chr21:46,122,090, C>G. VCF-style: chr21-46122090-C-G. GRCh37 (hg19) VCF-style: chr21-47542004-C-G.
Other names: c.1522-18C>G (NM_058175.3, NM_058174.3).
Identifiers: ClinVar variation 3357879 (VCV003357879.1).